The following is an entry in ClinVar:

Conditions:
Long QT syndrome 5 (LQT5). Identifiers: Orphanet 101016, Orphanet 768, MedGen C1867904, MONDO:0013372, OMIM 613695.

Submission:

Roden Lab, Vanderbilt University Medical Center
No classification provided (evidence only). Condition: Long QT syndrome 5. Review status: no classification provided. Collection method: in vitro. Allele origin: not applicable. Functional consequence: Effect on ion channel function.
ClinVar note: "not provided" was previously submitted as the classification for the variant. However, the classification appeared to be based only on an observation of functional data so it was converted to no classification on 2025-07-30.

NM_000219.6(KCNE1):c.342C>T (p.Ala114=)

Gene: KCNE1 (potassium voltage-gated channel subfamily E regulatory subunit 1; minus strand). Cytogenetic location: 21q22.12.
Variant type: single nucleotide variant.
Coding change: c.342C>T on transcript NM_000219.6 (MANE Select); coding-DNA position 342, C replaced by T.
Protein change: p.Ala114=; no amino-acid change (alanine 114 retained).
Molecular consequence: synonymous variant.
Genome position (GRCh38, 1-based): chr21:34,449,293, G>A on the plus strand (C>T on the coding strand, the complement: KCNE1 is on the minus strand). VCF-style: chr21-34449293-G-A. GRCh37 (hg19) VCF-style: chr21-35821591-G-A.
Other names: c.342C>T, p.Ala114= (NM_001127668.4, NM_001127669.4, NM_001127670.4 and 4 more transcripts).
Identifiers: ClinVar variation 3373773 (VCV003373773.2).